The following is an entry in ClinVar:

NM_000059.4(BRCA2):c.7097dup (p.Thr2367fs)

Gene: BRCA2 (BRCA2 DNA repair associated; plus strand). Cytogenetic location: 13q13.1.
Variant type: Duplication.
Coding change: c.7097dup on transcript NM_000059.4 (MANE Select); coding-DNA position 7097, one base duplicated (T; older notation c.7097dupT).
Protein change: p.Thr2367fs; shifts the reading frame from threonine 2367.
Molecular consequence: frameshift variant.
Genome position (GRCh38, 1-based): chr13:32,354,950, T duplicated. VCF-style (leftmost placement, unchanged base first): chr13-32354949-C-CT. GRCh37 (hg19) VCF-style: chr13-32929086-C-CT.
Other names: c.7097dupT (NM_000059.3); short protein forms T2367fs.
Identifiers: ClinVar variation 185971 (VCV000185971.21), dbSNP rs786202600, ClinGen allele CA193532.

ClinVar aggregate classification (germline): Pathogenic. Review status: reviewed by expert panel (3 of 4 stars). 7 submissions from 7 submitters: Pathogenic (1). 6 of the submissions do not count toward it. Last evaluated 2016-09-08.

Conditions:
Hereditary breast ovarian cancer syndrome. Also called: Hereditary breast and ovarian cancer; Hereditary breast and ovarian cancer syndrome; Breast and ovarian cancer; Hereditary breast and ovarian cancer syndrome (HBOC); Hereditary breast and/or ovarian cancer syndrome; BRCA1- and BRCA2-Associated Hereditary Breast and Ovarian Cancer. Identifiers: Orphanet 145, MedGen C0677776, MeSH D061325, MONDO:0003582. Disease mechanism: loss of function.
Hereditary cancer-predisposing syndrome. Also called: Hereditary Cancer Syndrome; Neoplastic Syndromes, Hereditary; Tumor predisposition; Hereditary neoplastic syndrome. Identifiers: Orphanet 140162, MedGen C0027672, MeSH D009386, MONDO:0015356.
Breast-ovarian cancer, familial, susceptibility to, 2 (BROVCA2). Also called: BRCA2 Hereditary Breast and Ovarian Cancer. Identifiers: Orphanet 145, MedGen C2675520, MONDO:0012933, OMIM 612555. Disease mechanism: loss of function.

Submissions (7):

Evidence-based Network for the Interpretation of Germline Mutant Alleles (ENIGMA)
Classification: Pathogenic for Breast-ovarian cancer, familial, susceptibility to, 2. Last evaluated: 2016-09-08. Review status: reviewed by expert panel. Criteria: ENIGMA BRCA1/2 Classification Criteria (2015). Collection method: curation. Allele origin: germline.
Comment: Variant allele predicted to encode a truncated non-functional protein.

Women's Health and Genetics/Laboratory Corporation of America, LabCorp
Classification: Pathogenic for Hereditary breast ovarian cancer syndrome. Last evaluated: 2026-01-12. Review status: criteria provided, single submitter. Criteria: LabCorp Variant Classification Summary - May 2015. Collection method: clinical testing. Allele origin: germline. Not counted in ClinVar's aggregate classification.
Comment: Variant summary: BRCA2 c.7097dupT (p.Thr2367AspfsX25) results in a premature termination codon, predicted to cause a truncation of the encoded protein or absence of the protein due to nonsense mediated decay, which are commonly known mechanisms for disease. The variant was absent in 250964 control chromosomes. c.7097dupT has been observed in the presumed heterozygous state in at least 1 individual(s) in a cohort with clinical features of Hereditary Breast And Ovarian Cancer Syndrome (Li_2019). The following publication has been ascertained in the context of this evaluation (PMID: 30175445). ClinVar contains an entry for this variant (Variation ID: 185971). Based on the evidence outlined above, the variant was classified as pathogenic.

Labcorp Genetics (formerly Invitae), Labcorp
Classification: Pathogenic for Hereditary breast ovarian cancer syndrome. Last evaluated: 2025-08-06. Review status: criteria provided, single submitter. Criteria: Invitae Variant Classification Sherloc (09022015). Collection method: clinical testing. Allele origin: germline. Not counted in ClinVar's aggregate classification.
Comment: This sequence change creates a premature translational stop signal (p.Thr2367Aspfs*25) in the BRCA2 gene. It is expected to result in an absent or disrupted protein product. Loss-of-function variants in BRCA2 are known to be pathogenic (PMID: 20104584). This variant is not present in population databases (gnomAD no frequency). This variant has not been reported in the literature in individuals affected with BRCA2-related conditions. ClinVar contains an entry for this variant (Variation ID: 185971). For these reasons, this variant has been classified as Pathogenic.

Ambry Genetics
Classification: Pathogenic for Hereditary cancer-predisposing syndrome. Last evaluated: 2023-12-01. Review status: criteria provided, single submitter. Criteria: Ambry Variant Classification Scheme 2023. Collection method: clinical testing. Allele origin: germline. Not counted in ClinVar's aggregate classification.
Comment: The c.7097dupT pathogenic mutation, located in coding exon 13 of the BRCA2 gene, results from a duplication of T at nucleotide position 7097, causing a translational frameshift with a predicted alternate stop codon (p.L2366Lfs*26). This alteration is expected to result in loss of function by premature protein truncation or nonsense-mediated mRNA decay. As such, this alteration is interpreted as a disease-causing mutation.

Color Diagnostics, LLC DBA Color Health
Classification: Pathogenic for Hereditary cancer-predisposing syndrome. Last evaluated: 2020-08-25. Review status: criteria provided, single submitter. Criteria: ACMG Guidelines, 2015. Collection method: clinical testing. Allele origin: germline. Not counted in ClinVar's aggregate classification.
Comment: This variant inserts 1 nucleotide in exon 14 of the BRCA2 gene, creating a frameshift and premature translation stop signal. This variant is expected to result in an absent or non-functional protein product. To our knowledge, this variant has not been reported in individuals affected with hereditary cancer in the literature. This variant has not been identified in the general population by the Genome Aggregation Database (gnomAD). Loss of BRCA2 function is a known mechanism of disease. Based on the available evidence, this variant is classified as Pathogenic.

Quest Diagnostics Nichols Institute San Juan Capistrano
Classification: Pathogenic. Last evaluated: 2015-12-21. Review status: criteria provided, single submitter. Criteria: Quest Diagnostics criteria. Collection method: clinical testing. Allele origin: germline. Not counted in ClinVar's aggregate classification.

Consortium of Investigators of Modifiers of BRCA1/2 (CIMBA), c/o University of Cambridge
Classification: Pathogenic for Breast-ovarian cancer, familial, susceptibility to, 2. Last evaluated: 2015-10-02. Review status: criteria provided, single submitter. Criteria: CIMBA Mutation Classification guidelines May 2016. Collection method: clinical testing. Allele origin: germline. Not counted in ClinVar's aggregate classification.

Literature cited by the submitters: PubMed 30175445 (cited by Women's Health and Genetics/Laboratory Corporation of America, LabCorp); PubMed 20104584 (cited by Labcorp Genetics (formerly Invitae), Labcorp).